The following is an entry in ClinVar:

NM_001367561.1(DOCK7):c.2774A>T (p.Asp925Val)

Gene: DOCK7 (dedicator of cytokinesis 7; minus strand). Cytogenetic location: 1p31.3.
Variant type: single nucleotide variant.
Coding change: c.2774A>T on transcript NM_001367561.1 (MANE Select); coding-DNA position 2774, A replaced by T.
Protein change: p.Asp925Val; replaces aspartic acid 925 with valine.
Molecular consequence: missense variant. On other transcripts: intron variant (3).
Genome position (GRCh38, 1-based): chr1:62,545,032, T>A on the plus strand (A>T on the coding strand, the complement: DOCK7 is on the minus strand). VCF-style: chr1-62545032-T-A. GRCh37 (hg19) VCF-style: chr1-63010703-T-A.
Other names: c.2774A>T, p.Asp925Val (NM_001271999.2, NM_001330614.2); c.2767-1287A>T (NM_001272001.2, NM_001272000.2, NM_033407.4); short protein forms D925V.
Identifiers: ClinVar variation 567628 (VCV000567628.11), dbSNP rs1034142392, ClinGen allele CA23744221.

ClinVar aggregate classification (germline): Uncertain significance (1 of 4 stars; one submission).

Conditions:
Developmental and epileptic encephalopathy, 23 (DEE23). Also called: Epileptic encephalopathy, early infantile, 23. Identifiers: Orphanet 411986, MedGen C4014492, MONDO:0014371, OMIM 615859.

Allele frequency attached by ClinVar (database versions not stated): gnomAD 0.00001; TOPMed 0.00003.
gnomAD v4.1: 2 of 1,549,270 alleles (0.00013%); highest among the groups gnomAD compares: African/African-American, 0.0027%; no homozygotes.

Submission:

Labcorp Genetics (formerly Invitae), Labcorp
Classification: Uncertain significance for Developmental and epileptic encephalopathy, 23. Last evaluated: 2019-01-29. Review status: criteria provided, single submitter. Criteria: Invitae Variant Classification Sherloc (09022015). Collection method: clinical testing. Allele origin: germline.
Comment: Algorithms developed to predict the effect of missense changes on protein structure and function are either unavailable or do not agree on the potential impact of this missense change (SIFT: "Not available"; PolyPhen-2: "Possibly Damaging"; Align-GVGD: "Class C0"). This variant has not been reported in the literature in individuals with DOCK7-related disease. While this variant is not present in population databases, the frequency information is unreliable, as metrics indicate poor data quality at this position in the ExAC database. In summary, the available evidence is currently insufficient to determine the role of this variant in disease. Therefore, it has been classified as a Variant of Uncertain Significance. This sequence change replaces aspartic acid with valine at codon 925 of the DOCK7 protein (p.Asp925Val). The aspartic acid residue is weakly conserved and there is a large physicochemical difference between aspartic acid and valine.